The following is an entry in ClinVar:

ClinVar aggregate classification (germline): Uncertain significance (1 of 4 stars; one submission).

Submission:

Labcorp Genetics (formerly Invitae), Labcorp
Classification: Uncertain significance. Last evaluated: 2025-06-06. Review status: criteria provided, single submitter. Criteria: Invitae Variant Classification Sherloc (09022015). Collection method: clinical testing. Allele origin: germline.
Comment: This sequence change falls in intron 8 of the NFKB1 gene. It does not directly change the encoded amino acid sequence of the NFKB1 protein. It affects a nucleotide within the consensus splice site. This variant is not present in population databases (gnomAD no frequency). This variant has not been reported in the literature in individuals affected with NFKB1-related conditions. Variants that disrupt the consensus splice site are a relatively common cause of aberrant splicing (PMID: 17576681, 9536098). Algorithms developed to predict the effect of sequence changes on RNA splicing suggest that this variant may disrupt the consensus splice site. In summary, the available evidence is currently insufficient to determine the role of this variant in disease. Therefore, it has been classified as a Variant of Uncertain Significance.

Literature cited by the submitters: PubMed 17576681; PubMed 9536098.

NM_003998.4(NFKB1):c.730+5G>C

Gene: NFKB1 (nuclear factor kappa B subunit 1; plus strand). Cytogenetic location: 4q24.
Variant type: single nucleotide variant.
Coding change: c.730+5G>C on transcript NM_003998.4 (MANE Select); 5 bases into the intron after coding-DNA position 730, G replaced by C.
Molecular consequence: intron variant.
Genome position (GRCh38, 1-based): chr4:102,579,044, G>C. VCF-style: chr4-102579044-G-C. GRCh37 (hg19) VCF-style: chr4-103500201-G-C.
Other names: c.730+5G>C (NM_001382626.1, NM_001382625.1); c.727+5G>C (NM_001382627.1, NM_001165412.2, NM_001319226.2); c.688+5G>C (NM_001382628.1).
Identifiers: ClinVar variation 4720859 (VCV004720859.1).